The following is an entry in ClinVar:

NM_144643.4(SCLT1):c.1218+3A>T

Gene: SCLT1 (sodium channel and clathrin linker 1; minus strand). Cytogenetic location: 4q28.2.
Variant type: single nucleotide variant.
Coding change: c.1218+3A>T on transcript NM_144643.4 (MANE Select); 3 bases into the intron after coding-DNA position 1218, A replaced by T.
Molecular consequence: intron variant.
Genome position (GRCh38, 1-based): chr4:128,952,766, T>A on the plus strand (A>T on the coding strand, the complement: SCLT1 is on the minus strand). VCF-style: chr4-128952766-T-A. GRCh37 (hg19) VCF-style: chr4-129873921-T-A.
Other names: c.1218+3A>T (NM_001410807.1).
Identifiers: ClinVar variation 4978229 (VCV004978229.1).

ClinVar aggregate classification (germline): Uncertain significance (1 of 4 stars; one submission).

Conditions:
SCLT1-related disorder. Also called: SCLT1-related condition.

gnomAD v4.1: 21 of 1,479,586 alleles (0.0014%); highest among the groups gnomAD compares: Non-Finnish European, 0.002%; no homozygotes.

Submission:

PreventionGenetics, part of Exact Sciences
Classification: Uncertain significance for SCLT1-related condition. Last evaluated: 2024-11-21. Review status: criteria provided, single submitter. Criteria: ACMG Guidelines, 2015. Collection method: clinical testing. Allele origin: germline.
Comment: The SCLT1 c.1218+3A>T variant is predicted to interfere with splicing. This variant is predicted to impact splicing based on splicing prediction programs (SpliceAI, Jaganathan et al. 2019. PubMed ID: 30661751). To our knowledge, this variant has not been reported in the literature. This variant is reported in 0.0088% of alleles in individuals of European (Non-Finnish) descent in gnomAD. At this time, the clinical significance of this variant is uncertain due to the absence of conclusive functional and genetic evidence.